The following is an entry in ClinVar:

ClinVar aggregate classification (germline): Uncertain significance (1 of 4 stars; one submission).

Submission:

GeneDx
Classification: Uncertain significance. Last evaluated: 2020-01-14. Review status: criteria provided, single submitter. Criteria: GeneDx Variant Classification Process June 2021. Collection method: clinical testing. Allele origin: germline. Affected: yes.
Comment: Not observed in large population cohorts (Lek et al., 2016); In silico analysis, which includes protein predictors and evolutionary conservation, supports that this variant does not alter protein structure/function; Has not been previously published as pathogenic or benign to our knowledge

NM_001367721.1(CASK):c.1094A>G (p.Glu365Gly)

Gene: CASK (calcium/calmodulin dependent serine protein kinase; minus strand). Cytogenetic location: Xp11.4.
Variant type: single nucleotide variant.
Coding change: c.1094A>G on transcript NM_001367721.1 (MANE Select); coding-DNA position 1094, A replaced by G.
Protein change: p.Glu365Gly; replaces glutamic acid 365 with glycine.
Molecular consequence: missense variant.
Genome position (GRCh38, 1-based): chrX:41,609,965, T>C on the plus strand (A>G on the coding strand, the complement: CASK is on the minus strand). VCF-style: chrX-41609965-T-C. GRCh37 (hg19) VCF-style: chrX-41469218-T-C.
Other names: c.1094A>G, p.Glu365Gly (NM_001126054.3, NM_003688.4); c.1076A>G, p.Glu359Gly (NM_001126055.3, NM_001410745.1); short protein forms E359G, E365G.
Identifiers: ClinVar variation 1311812 (VCV001311812.2), dbSNP rs2147279282, ClinGen allele CA412999669.